The following is an entry in ClinVar:

NM_000834.5(GRIN2B):c.3815T>G (p.Val1272Gly)

Gene: GRIN2B (glutamate ionotropic receptor NMDA type subunit 2B; minus strand). Cytogenetic location: 12p13.1.
Variant type: single nucleotide variant.
Coding change: c.3815T>G on transcript NM_000834.5 (MANE Select); coding-DNA position 3815, T replaced by G.
Protein change: p.Val1272Gly; replaces valine 1272 with glycine.
Molecular consequence: missense variant.
Genome position (GRCh38, 1-based): chr12:13,563,423, A>C on the plus strand (T>G on the coding strand, the complement: GRIN2B is on the minus strand). VCF-style: chr12-13563423-A-C. GRCh37 (hg19) VCF-style: chr12-13716357-A-C.
Other names: short protein forms V1272G.
Identifiers: ClinVar variation 1515689 (VCV001515689.8), dbSNP rs75642143, ClinGen allele CA6460840.

ClinVar aggregate classification (germline): Uncertain significance (1 of 4 stars; one submission).

Conditions:
Intellectual developmental disorder, autosomal dominant 6, with or without seizures. Also called: Intellectual disability, autosomal dominant 6; GRIN2B-related developmental delay, intellectual disability and autism spectrum disorder. Identifiers: Orphanet 589547, MedGen C3151411, MONDO:0013509, OMIM 613970.
Developmental and epileptic encephalopathy, 27 (DEE27). Also called: Epileptic encephalopathy, early infantile, 27; GRIN2B-Related Neurodevelopmental Disorder. Identifiers: Orphanet 3451, MedGen C4015316, MONDO:0014505, OMIM 616139.

Allele frequency attached by ClinVar (database versions not stated): ExAC 0.00003.

Submission:

Labcorp Genetics (formerly Invitae), Labcorp
Classification: Uncertain significance for Developmental and epileptic encephalopathy, 27; Intellectual developmental disorder, autosomal dominant 6, with or without seizures. Last evaluated: 2021-06-25. Review status: criteria provided, single submitter. Criteria: Invitae Variant Classification Sherloc (09022015). Collection method: clinical testing. Allele origin: germline.
Comment: This sequence change replaces valine with glycine at codon 1272 of the GRIN2B protein (p.Val1272Gly). The valine residue is moderately conserved and there is a moderate physicochemical difference between valine and glycine. The frequency data for this variant in the population databases is considered unreliable, as metrics indicate poor data quality at this position in the ExAC database. This variant has been observed in individual(s) with clinical features of GRIN2B-related conditions (Invitae). Advanced modeling of protein sequence and biophysical properties (such as structural, functional, and spatial information, amino acid conservation, physicochemical variation, residue mobility, and thermodynamic stability) performed at Invitae indicates that this missense variant is not expected to disrupt GRIN2B protein function. In summary, the available evidence is currently insufficient to determine the role of this variant in disease. Therefore, it has been classified as a Variant of Uncertain Significance.